The following is an entry in ClinVar:

NM_001113491.2(SEPTIN9):c.444G>T (p.Arg148=)

Gene: SEPTIN9 (septin 9; plus strand). Cytogenetic location: 17q25.3.
Variant type: single nucleotide variant.
Coding change: c.444G>T on transcript NM_001113491.2 (MANE Select); coding-DNA position 444, G replaced by T.
Protein change: p.Arg148=; no amino-acid change (arginine 148 retained).
Molecular consequence: synonymous variant. On other transcripts: 5 prime UTR variant (2).
Genome position (GRCh38, 1-based): chr17:77,402,426, G>T. VCF-style: chr17-77402426-G-T. GRCh37 (hg19) VCF-style: chr17-75398508-G-T.
Other names: c.-49G>T (NM_001113492.2, NM_001113494.1); c.423G>T, p.Arg141= (NM_001113493.2); c.387G>T, p.Arg129= (NM_001293695.2); c.390G>T, p.Arg130= (NM_006640.5).
Identifiers: ClinVar variation 1682606 (VCV001682606.8), dbSNP rs182189590, ClinGen allele CA8793214.

ClinVar aggregate classification (germline): Benign/Likely benign. Review status: criteria provided, multiple submitters, no conflicts (2 of 4 stars). 2 submissions from 2 submitters: Benign (1); Likely benign (1). Last evaluated 2025-11-06.

Allele frequency attached by ClinVar (database versions not stated): gnomAD exomes 0.00001 and 0.00002; gnomAD 0.00016 and 0.00015; ExAC 0.00002; TOPMed 0.00016; ESP Exome Variant Server 0.00008; 1000 Genomes Project 30x 0.00016; 1000 Genomes Project 0.00040.
gnomAD v4.1: 30 of 1,610,808 alleles (0.0019%); highest among the groups gnomAD compares: African/African-American, 0.037%; no homozygotes.

Submissions (2):

Women's Health and Genetics/Laboratory Corporation of America, LabCorp
Classification: Benign. Last evaluated: 2025-11-06. Review status: criteria provided, single submitter. Criteria: LabCorp Variant Classification Summary - May 2015. Collection method: clinical testing. Allele origin: germline.
Comment: Variant summary: SEPTIN9 c.390G>T alters a non-conserved nucleotide resulting in a synonymous change. Several computational tools predict a significant impact on normal splicing: Three predict the variant creates a 3' acceptor site. One predict the variant no significant impact on splicing. However, these predictions have yet to be confirmed by functional studies. The variant allele was found at a frequency of 1.9e-05 in 1603844 control chromosomes, predominantly at a frequency of 0.00037 within the African or African-American subpopulation in the gnomAD database. The observed variant frequency within African or African-American control individuals in the gnomAD database exceeds the estimated maximal expected allele frequency for disease-causing variants in SEPTIN9. To our knowledge, no occurrence of c.390G>T in individuals affected with SEPTIN9-related conditions and no experimental evidence demonstrating its impact on protein function have been reported. ClinVar contains an entry for this variant (Variation ID: 1682606). Based on the evidence outlined above, the variant was classified as benign.

Labcorp Genetics (formerly Invitae), Labcorp
Classification: Likely benign. Last evaluated: 2024-07-30. Review status: criteria provided, single submitter. Criteria: Invitae Variant Classification Sherloc (09022015). Collection method: clinical testing. Allele origin: germline.